The following is an entry in ClinVar:

NM_002890.3(RASA1):c.1493_1494dup (p.Gly499fs)

Genes: CCNH (cyclin H; minus strand), RASA1 (RAS p21 protein activator 1; plus strand). Cytogenetic location: 5q14.3.
Variant type: Microsatellite.
Coding change: c.1493_1494dup on transcript NM_002890.3 (MANE Select); coding-DNA positions 1493 to 1494, 2 bases duplicated (AG; older notation c.1493_1494dupAG).
Protein change: p.Gly499fs; shifts the reading frame from glycine 499.
Molecular consequence: frameshift variant. On other transcripts: intron variant (1).
Genome position (GRCh38, 1-based): chr5:87,363,387-87,363,388, AG duplicated; duplicating any 2 consecutive bases within chr5:87,363,385-87,363,388 gives the same sequence; the c. name uses the placement nearest the transcript's 3' end. VCF-style (leftmost placement, unchanged base first): chr5-87363384-T-TAG. GRCh37 (hg19) VCF-style: chr5-86659201-T-TAG.
Other names: c.962_963dup, p.Gly322fs (NM_022650.3); c.933+31656CT[3] (NM_001364075.2); short protein forms G499fs, G322fs.
Identifiers: ClinVar variation 545748 (VCV000545748.3), dbSNP rs1554048056, ClinGen allele CA658822121.

ClinVar aggregate classification (germline): Likely pathogenic (1 of 4 stars; one submission).

Submission:

GeneDx
Classification: Likely pathogenic. Last evaluated: 2018-05-21. Review status: criteria provided, single submitter. Criteria: GeneDx Variant Classification (06012015). Collection method: clinical testing. Allele origin: germline. Affected: yes.
Comment: The c.1493_1494dupAG likely pathogenic variant in the RASA1 gene has been reported in a patient with capillary malformation?Ã‡Ã´arteriovenous malformation (CM-AVM) (Revencu et al., 2013); however, additional clinical and segregation information was nor provided. This variant causes a shift in reading frame starting at codon glycine 499, changing it to an arginine, and creating a premature stop codon at position 22 of the new reading frame, denoted p.Gly499ArgfsX22. This likely pathogenic variant is expected to result in either an abnormal, truncated protein product or loss of protein from this allele through nonsense-mediated mRNA decay. Other frameshift variants in the RASA1 gene have been reported in Human Gene Mutation Database in association with RASA1-related disorders (Stenson et al., 2014), indicating that loss of function is a mechanism of disease for this gene. Furthermore, the c.1493_1494dupAG variant has not been observed in large population cohorts (Lek et al., 2016). In summary, c.1493_1494dupAG in the RASA1 gene is interpreted as a pathogenic variant.